The following is an entry in ClinVar:

NM_014314.4(RIGI):c.87G>A (p.Met29Ile)

Gene: RIGI (RNA sensor RIG-I; minus strand). Cytogenetic location: 9p21.1.
Variant type: single nucleotide variant.
Coding change: c.87G>A on transcript NM_014314.4 (MANE Select); coding-DNA position 87, G replaced by A.
Protein change: p.Met29Ile; replaces methionine 29 with isoleucine.
Molecular consequence: missense variant. On other transcripts: 5 prime UTR variant (3).
Genome position (GRCh38, 1-based): chr9:32,526,080, C>T on the plus strand (G>A on the coding strand, the complement: RIGI is on the minus strand). VCF-style: chr9-32526080-C-T. GRCh37 (hg19) VCF-style: chr9-32526078-C-T.
Other names: c.87G>A, p.Met29Ile (NM_001385907.1, NM_001385909.1, NM_001385913.1); c.-368G>A (NM_001385910.1, NM_001385914.1); c.-375G>A (NM_001385912.1); short protein forms M29I.
Identifiers: ClinVar variation 2846699 (VCV002846699.3), dbSNP rs2489411168, ClinGen allele CA373150776.

ClinVar aggregate classification (germline): Uncertain significance (1 of 4 stars; one submission).

Allele frequency attached by ClinVar (database versions not stated): gnomAD exomes 0.00001.
gnomAD v4.1: 5 of 1,613,816 alleles (0.00031%); highest among the groups gnomAD compares: Non-Finnish European, 0.00042%; no homozygotes.

Submission:

Labcorp Genetics (formerly Invitae), Labcorp
Classification: Uncertain significance. Last evaluated: 2023-03-17. Review status: criteria provided, single submitter. Criteria: Invitae Variant Classification Sherloc (09022015). Collection method: clinical testing. Allele origin: germline.
Comment: In summary, the available evidence is currently insufficient to determine the role of this variant in disease. Therefore, it has been classified as a Variant of Uncertain Significance. An algorithm developed to predict the effect of missense changes on protein structure and function (PolyPhen-2) suggests that this variant is likely to be tolerated. This variant has not been reported in the literature in individuals affected with DDX58-related conditions. This variant is not present in population databases (gnomAD no frequency). This sequence change replaces methionine, which is neutral and non-polar, with isoleucine, which is neutral and non-polar, at codon 29 of the DDX58 protein (p.Met29Ile).